The following is an entry in ClinVar:

ClinVar aggregate classification (germline): Conflicting classifications of pathogenicity. Review status: criteria provided, conflicting classifications (1 of 4 stars). 6 submissions from 6 submitters: Uncertain significance (3); Likely benign (1). 2 of the submissions do not count toward it. Last evaluated 2025-05-05.

Conditions:
Hereditary cancer-predisposing syndrome. Also called: Hereditary Cancer Syndrome; Hereditary neoplastic syndrome; Neoplastic Syndromes, Hereditary; Tumor predisposition. Identifiers: Orphanet 140162, MedGen C0027672, MeSH D009386, MONDO:0015356.
Breast-ovarian cancer, familial, susceptibility to, 1 (BROVCA1). Also called: BRCA1 Hereditary Breast and Ovarian Cancer; OVARIAN CANCER, SUSCEPTIBILITY TO. Identifiers: Orphanet 145, MedGen C2676676, MONDO:0011450, OMIM 604370. Disease mechanism: loss of function.
Hereditary breast ovarian cancer syndrome. Also called: BRCA1- and BRCA2-Associated Hereditary Breast and Ovarian Cancer; Hereditary breast and ovarian cancer syndrome; Hereditary breast and ovarian cancer syndrome (HBOC); Breast and ovarian cancer; Hereditary breast and/or ovarian cancer syndrome; Hereditary breast and ovarian cancer. Identifiers: Orphanet 145, MedGen C0677776, MeSH D061325, MONDO:0003582. Disease mechanism: loss of function.

Allele frequency attached by ClinVar (database versions not stated): TOPMed below 0.00001.
gnomAD v4.1: 4 of 1,613,906 alleles (0.00025%); highest among the groups gnomAD compares: Non-Finnish European, 0.00034%; no homozygotes.

Submissions (7):

Labcorp Genetics (formerly Invitae), Labcorp
Classification: Uncertain significance for Hereditary breast ovarian cancer syndrome. Last evaluated: 2025-05-05. Review status: criteria provided, single submitter. Criteria: Invitae Variant Classification Sherloc (09022015). Collection method: clinical testing. Allele origin: germline.
Comment: This sequence change replaces arginine, which is basic and polar, with methionine, which is neutral and non-polar, at codon 1762 of the BRCA1 protein (p.Arg1762Met). This variant is not present in population databases (gnomAD no frequency). This variant has not been reported in the literature in individuals affected with BRCA1-related conditions. ClinVar contains an entry for this variant (Variation ID: 91646). Invitae Evidence Modeling incorporating data from in vitro experimental studies (PMID: 30209399) indicates that this missense variant is not expected to disrupt BRCA1 function with a negative predictive value of 95%. Experimental studies have shown that this missense change does not substantially affect BRCA1 function (PMID: 30209399). In summary, the available evidence is currently insufficient to determine the role of this variant in disease. Therefore, it has been classified as a Variant of Uncertain Significance.

GeneDx
Classification: Uncertain significance. Last evaluated: 2024-07-30. Review status: criteria provided, single submitter. Criteria: GeneDx Variant Classification Process June 2021. Collection method: clinical testing. Allele origin: germline. Affected: yes.
Comment: Published functional studies demonstrate no damaging effect: variant classified as functional based on a saturation genome editing (SGE) assay measuring cell survival (PMID: 30209399); In silico analysis indicates that this missense variant does not alter protein structure/function; Not observed at significant frequency in large population cohorts (gnomAD); Also known as 5404G>T; This variant is associated with the following publications: (PMID: 29884841, 31853058, 32377563, 30209399, 38368609, 25348405)

Color Diagnostics, LLC DBA Color Health
Classification: Uncertain significance for Hereditary cancer-predisposing syndrome. Last evaluated: 2021-09-21. Review status: criteria provided, single submitter. Criteria: ACMG Guidelines, 2015. Collection method: clinical testing. Allele origin: germline.
Comment: This missense variant replaces arginine with methionine at codon 1762 of the BRCA1 protein. Computational prediction is inconclusive regarding the impact of this variant on protein structure and function (internally defined REVEL score threshold 0.5 < inconclusive < 0.7, PMID: 27666373). A functional study has reported that this variant does not impact BRCA1 function in a haploid cell proliferation assay (PMID: 30209399). This variant has been reported in 1 individual age 70 years or older without cancer in the FLOSSIES database. This variant has not been identified in the general population by the Genome Aggregation Database (gnomAD). The available evidence is insufficient to determine the role of this variant in disease conclusively. Therefore, this variant is classified as a Variant of Uncertain Significance.

Ambry Genetics
Classification: Likely benign for Hereditary cancer-predisposing syndrome. Last evaluated: 2021-03-11. Review status: criteria provided, single submitter. Criteria: Ambry Variant Classification Scheme 2023. Collection method: clinical testing. Allele origin: germline.

Counsyl
Classification: Uncertain significance for Breast-ovarian cancer, familial, susceptibility to, 1. Last evaluated: 2016-09-27. Review status: no assertion criteria provided. Collection method: clinical testing. Allele origin: unknown. Not counted in ClinVar's aggregate classification.

Sharing Clinical Reports Project (SCRP)
Classification: Uncertain significance for Breast-ovarian cancer, familial 1. Last evaluated: 2013-02-06. Review status: no assertion criteria provided. Collection method: clinical testing. Allele origin: germline. Not counted in ClinVar's aggregate classification.

Brotman Baty Institute, University of Washington
No classification provided (evidence only). Condition: Breast-ovarian cancer, familial 1. Review status: no classification provided. Collection method: in vitro. Allele origin: not applicable. Functional consequence: functionally_normal. Not counted in ClinVar's aggregate classification.
ClinVar note: "not provided" was previously submitted as the classification for the variant. However, the classification appeared to be based only on an observation of functional data so it was converted to no classification on 2025-07-30.

Literature cited by the submitters: PubMed 30209399 (cited by 3 submitters).

NM_007294.4(BRCA1):c.5285G>T (p.Arg1762Met)

Gene: BRCA1 (BRCA1 DNA repair associated; minus strand). Cytogenetic location: 17q21.31.
Variant type: single nucleotide variant.
Coding change: c.5285G>T on transcript NM_007294.4 (MANE Select); coding-DNA position 5285, G replaced by T.
Protein change: p.Arg1762Met; replaces arginine 1762 with methionine.
Molecular consequence: missense variant. On other transcripts: non-coding transcript variant (1).
Genome position (GRCh38, 1-based): chr17:43,051,110, C>A on the plus strand (G>T on the coding strand, the complement: BRCA1 is on the minus strand). VCF-style: chr17-43051110-C-A. GRCh37 (hg19) VCF-style: chr17-41203127-C-A.
Other names: 5404G>T; c.5072G>T, p.Arg1691Met (NM_001407571.1, NM_001407897.1, NM_001407898.1 and 12 more transcripts); c.5351G>T, p.Arg1784Met (NM_001407581.1, NM_001407582.1); c.5348G>T, p.Arg1783Met (NM_001407583.1, NM_001407585.1, NM_001407587.1 and 1 more transcripts); c.5345G>T, p.Arg1782Met (NM_001407590.1, NM_001407591.1); c.5285G>T, p.Arg1762Met (NM_001407593.1, NM_001407594.1, NM_001407596.1 and 6 more transcripts); c.5282G>T, p.Arg1761Met (NM_001407616.1, NM_001407617.1, NM_001407618.1 and 17 more transcripts); c.5279G>T, p.Arg1760Met (NM_001407635.1, NM_001407636.1, NM_001407637.1 and 14 more transcripts); and 73 more; short protein forms R1762M, R658M, R1783M, R1715M, R1465M, R1466M, R1608M, R1735M.
Identifiers: ClinVar variation 91646 (VCV000091646.23), dbSNP rs398122694, ClinGen allele CA003444.
Genomic context (GRCh38, chr17:43,051,110, plus strand): 5'-CCCAGGCTCTTACCTGTGGGCATGTTGGTGAAGGGCCCATAGCAACAGATTTCTAGCCCC[C>A]TGAAGATCTGGAAGAAGAGAGGAAGAGAGAGGGACAGGGGAATGGAGAGAAGGAAAATCT-3'
Protein context (NP_009225.1, residues 1752-1772): ARESQDRKIF[Arg1762Met]GLEICCYGPF